The following is an entry in ClinVar:

ClinVar aggregate classification (germline): Pathogenic/Likely pathogenic. Review status: criteria provided, multiple submitters, no conflicts (2 of 4 stars). 3 submissions from 3 submitters: Pathogenic (2); Likely pathogenic (1). Last evaluated 2026-01-27.

Conditions:
Cardiovascular phenotype. Identifiers: MedGen CN230736.
Hypertrophic cardiomyopathy. Also called: HYPERTROPHIC MYOCARDIOPATHY. Identifiers: Orphanet 217569, MedGen C0007194, MeSH D002312, MONDO:0005045, HP:0001639.
MYBPC3-related disorder. Also called: MYBPC3-related disorders; MYBPC3-related condition; MYBPC3-related disease.

Submissions (3):

Molecular Diagnostic Laboratory for Inherited Cardiovascular Disease, Montreal Heart Institute
Classification: Pathogenic for Cardiovascular phenotype. Last evaluated: 2026-01-27. Review status: criteria provided, single submitter. Criteria: ACMG Guidelines, 2015. Collection method: clinical testing. Allele origin: germline. Affected: yes.

Labcorp Genetics (formerly Invitae), Labcorp
Classification: Pathogenic for Hypertrophic cardiomyopathy. Last evaluated: 2022-04-11. Review status: criteria provided, single submitter. Criteria: Invitae Variant Classification Sherloc (09022015). Collection method: clinical testing. Allele origin: germline.
Comment: For these reasons, this variant has been classified as Pathogenic. ClinVar contains an entry for this variant (Variation ID: 636943). This sequence change creates a premature translational stop signal (p.Tyr842*) in the MYBPC3 gene. It is expected to result in an absent or disrupted protein product. Loss-of-function variants in MYBPC3 are known to be pathogenic (PMID: 19574547). This variant is not present in population databases (gnomAD no frequency). This variant has not been reported in the literature in individuals affected with MYBPC3-related conditions.

Blueprint Genetics
Classification: Likely pathogenic for MYBPC3-related disorders. Last evaluated: 2019-02-06. Review status: criteria provided, single submitter. Criteria: ACMG Guidelines, 2015. Collection method: clinical testing. Allele origin: germline. Affected: yes. Observed: 1 variant allele.

Literature cited by the submitters: PubMed 19574547 (cited by Labcorp Genetics (formerly Invitae), Labcorp).

NM_000256.3(MYBPC3):c.2526del (p.Val841_Tyr842insTer)

Gene: MYBPC3 (myosin binding protein C3; minus strand). Cytogenetic location: 11p11.2.
Variant type: Deletion.
Coding change: c.2526del on transcript NM_000256.3 (MANE Select); coding-DNA position 2526, one base deleted (C; older notation c.2526delC).
Protein change: p.Val841_Tyr842insTer.
Molecular consequence: nonsense.
Genome position (GRCh38, 1-based): chr11:47,337,467, G deleted on the plus strand (C on the coding strand, the reverse complement: MYBPC3 is on the minus strand). VCF-style (leftmost placement, unchanged base first): chr11-47337466-CG-C. GRCh37 (hg19) VCF-style: chr11-47359017-CG-C.
Identifiers: ClinVar variation 636943 (VCV000636943.8), dbSNP rs1595843640, ClinGen allele CA915948147.